The following is an entry in ClinVar:

NC_000012.12:g.40501199C>A

Gene: MUC19 (mucin 19, oligomeric (gene/pseudogene); plus strand). Cytogenetic location: 12q12.
Variant type: single nucleotide variant.
Genome position: GRCh38 VCF-style: chr12-40501199-C-A. GRCh37 (hg19) VCF-style: chr12-40895001-C-A.
Identifiers: ClinVar variation 2642879 (VCV002642879.24), dbSNP rs559539642, ClinGen allele CA235387088.

ClinVar aggregate classification (germline): Likely benign (1 of 4 stars; one submission).

Allele frequency attached by ClinVar (database versions not stated): TOPMed 0.00002; gnomAD 0.00006; 1000 Genomes Project 30x 0.00094; 1000 Genomes Project 0.00120.

Submission:

CeGaT Center for Human Genetics Tuebingen
Classification: Likely benign. Last evaluated: 2022-07-01. Review status: criteria provided, single submitter. Criteria: CeGaT Center For Human Genetics Tuebingen Variant Classification Criteria Version 2. Collection method: clinical testing. Allele origin: germline. Affected: yes. Observed: 1 variant allele.
Comment: MUC19: BP4, BP7